The following is an entry in ClinVar:

NM_001126108.2(SLC12A3):c.3025C>T (p.Arg1009Ter)

Genes: SLC12A3 (solute carrier family 12 member 3; plus strand), LOC126862361 (CDK7 strongly-dependent group 2 enhancer GRCh37_chr16:56946332-56947531; plus strand). Cytogenetic location: 16q13.
Variant type: single nucleotide variant.
Coding change: c.3025C>T on transcript NM_001126108.2 (MANE Select); coding-DNA position 3025, C replaced by T.
Protein change: p.Arg1009Ter; replaces arginine 1009 with a stop codon.
Molecular consequence: nonsense.
Genome position (GRCh38, 1-based): chr16:56,913,364, C>T. VCF-style: chr16-56913364-C-T. GRCh37 (hg19) VCF-style: chr16-56947276-C-T.
Other names: c.3052C>T, p.Arg1018Ter (NM_000339.3); c.3049C>T, p.Arg1017Ter (NM_001126107.2); c.3025C>T (NM_001126108.1); short protein forms R1009*, R1017*, R1018*.
Identifiers: ClinVar variation 835523 (VCV000835523.23), dbSNP rs781209989, ClinGen allele CA8070190.

ClinVar aggregate classification (germline): Pathogenic. Review status: criteria provided, multiple submitters, no conflicts (2 of 4 stars). 10 submissions from 10 submitters: Pathogenic (9). 1 of the submissions does not count toward it. Last evaluated 2026-07-22.

Conditions:
Familial hypokalemia-hypomagnesemia (GTLMNS). Also called: POTASSIUM AND MAGNESIUM DEPLETION; HYPOMAGNESEMIA-HYPOKALEMIA, PRIMARY RENOTUBULAR, WITH HYPOCALCIURIA; gitelman syndrome. Identifiers: Orphanet 358, MedGen C0268450, MONDO:0009904, OMIM 263800.
SLC12A3-related disorder. Also called: SLC12A3-related condition.
Bartter syndrome. Identifiers: Orphanet 112, MedGen C0004775, MONDO:0015231.

Allele frequency attached by ClinVar (database versions not stated): gnomAD 0.00001; gnomAD exomes 0.00001 and 0.00002; ExAC 0.00002; TOPMed 0.00002.
gnomAD v4.1: 36 of 1,614,020 alleles (0.0022%); highest among the groups gnomAD compares: Middle Eastern, 0.016%; no homozygotes.

Submissions (10):

Victorian Clinical Genetics Services, Murdoch Childrens Research Institute
Classification: Pathogenic for Familial hypokalemia-hypomagnesemia. Last evaluated: 2026-07-22. Review status: criteria provided, single submitter. Criteria: ACMG Guidelines, 2015. Collection method: clinical testing. Allele origin: germline. Affected: yes.
Comment: This variant is classified as Pathogenic. Evidence in support of pathogenic classification: This variant is predicted to result in a truncated protein (premature termination codon is NOT located at least 54 nucleotides upstream of the final exon-exon junction) with less than 1/3 of the protein sequence affected; This variant is present in gnomAD <0.01 for a recessive condition (v4: 36 heterozygote(s), 0 homozygote(s)); This variant has strong previous evidence of pathogenicity in unrelated individuals. This variant has been classified as pathogenic and likely pathogenic by multiple clinical laboratories (ClinVar), and reported in the literature in multiple homozygous and compound heterozygous individuals with Gitelman syndrome (PMID: 12911530, 29942493, 23475471); This variant has moderate evidence for segregation with disease. This variant has been observed to segregate in two pairs of homozygous siblings (PMID: 12911530). Additional information: This variant is heterozygous; This gene is associated with autosomal recessive disease; Variant is predicted to truncate part of the annotated solute carrier family 12 domain (DECIPHER); Loss of function is a known mechanism of disease in this gene and is associated with Gitelman syndrome (MIM#263800); Heterozygous variant detected in trans with a second pathogenic heterozygous variant (NM_001126108.2(SLC12A3):c.2851_2852insAGGGGTGCACCCTC; p.(Val951Glufs*12)) in a recessive disease.

Natera, Inc.
Classification: Pathogenic for Gitelman syndrome. Last evaluated: 2025-10-29. Review status: criteria provided, single submitter. Criteria: Natera Variant Classification Schema (03/2026). Collection method: clinical testing. Allele origin: germline.
Comment: The c.3052C>T variant in SLC12A3 is a nonsense variant predicted to introduce a stop codon at amino acid 1018. This variant is expected to result in nonsense mediated decay, truncation, or a dysfunctional protein product. This variant is rare in the general population with a frequency below the threshold expected for the associated phenotype(s). This variant has been observed in one or more individuals affected with the associated recessive disease, as either homozygous or compound heterozygous with a second variant (PMID: 33238651, 29398133). Given the available evidence, this variant is classified as Pathogenic.

Labcorp Genetics (formerly Invitae), Labcorp
Classification: Pathogenic. Last evaluated: 2025-10-28. Review status: criteria provided, single submitter. Criteria: Invitae Variant Classification Sherloc (09022015). Collection method: clinical testing. Allele origin: germline.
Comment: This sequence change creates a premature translational stop signal (p.Arg1018*) in the SLC12A3 gene. While this is not anticipated to result in nonsense mediated decay, it is expected to disrupt the last 13 amino acid(s) of the SLC12A3 protein. This variant is present in population databases (rs781209989, gnomAD 0.003%). This premature translational stop signal has been observed in individuals with SLC12A3-related conditions (PMID: 12911530, 23475471, 29942493). This variant is also known as R1009X. ClinVar contains an entry for this variant (Variation ID: 835523). For these reasons, this variant has been classified as Pathogenic.

Blueprint Genetics
Classification: Pathogenic for SLC12A3-related disorders. Last evaluated: 2024-11-07. Review status: criteria provided, single submitter. Criteria: ACMG Guidelines, 2015. Collection method: clinical testing. Allele origin: germline. Affected: yes. Observed: 3 variant alleles.

GeneDx
Classification: Pathogenic. Last evaluated: 2024-08-14. Review status: criteria provided, single submitter. Criteria: GeneDx Variant Classification Process June 2021. Collection method: clinical testing. Allele origin: germline. Affected: yes.
Comment: Nonsense variant predicted to result in protein truncation, as the last 13 amino acids are lost, and other loss-of-function variants have been reported downstream in HGMD; This variant is associated with the following publications: (PMID: 12911530, 27803420, 23475471, 30596175, 29942493, 22009145)

Fulgent Genetics
Classification: Pathogenic for Familial hypokalemia-hypomagnesemia. Last evaluated: 2022-01-09. Review status: criteria provided, single submitter. Criteria: ACMG Guidelines, 2015. Collection method: clinical testing. Allele origin: unknown.

Dasa
Classification: Pathogenic for Familial hypokalemia-hypomagnesemia. Last evaluated: 2022-01-05. Review status: criteria provided, single submitter. Criteria: ACMG Guidelines, 2015. Collection method: clinical testing. Allele origin: germline. Affected: yes. Observed: 1 variant allele.
Comment: The c.3052C>T;p.(Arg1018*) variant creates a premature translational stop signal in the SLC12A3 gene. It is expected to result in an absent or disrupted protein product -PVS1_moderate. This sequence change has been observed in affected individual(s) and ClinVar contains an entry for this variant (ClinVar ID: 835523; PMID: 12911530; 23475471; 29942493) - PS4_modetare. This variant is not present in population databases (rs781209989, gnomAD; ABraOM no frequency) - PM2. The p.(Arg1018*) was detected in trans with a pathogenic variant(PMID: 29942493; 23475471) - PM3. In summary, the currently available evidence indicates that the variant is pathogenic.

Genetics and Genomic Medicine Centre, NeuroGen Healthcare, NeuroGen Healthcare
Classification: Pathogenic for Familial hypokalemia-hypomagnesemia. Last evaluated: 2021-09-25. Review status: criteria provided, single submitter. Criteria: Submitter's publication. Collection method: clinical testing. Allele origin: unknown. Affected: no.

Juno Genomics, Hangzhou Juno Genomics, Inc
Classification: Pathogenic for Familial hypokalemia-hypomagnesemia. Review status: criteria provided, single submitter. Criteria: ACMG Guidelines, 2015. Collection method: clinical testing. Allele origin: germline.
Comment: Null variant in a gene where loss of function (LOF) is a known mechanism of disease.;Absent from controls (or at extremely low frequency if recessive) in Genome Aggregation Database.;For recessive disorders, detected in trans with a pathogenic variant.;Patient's phenotype or family history is highly specific for a disease with a single genetic etiology.;Co-segregation with disease in multiple affected family members.

Sydney Genome Diagnostics, Children's Hospital Westmead
Classification: Pathogenic for Familial hypokalemia-hypomagnesemia; Bartter syndrome. Last evaluated: 2017-10-10. Review status: no assertion criteria provided. Collection method: clinical testing. Allele origin: unknown. Affected: yes. Observed: 1 variant allele, 1 compound heterozygote. Not counted in ClinVar's aggregate classification.
Comment: This variant (dbSNP: rs781209989) has been reported in the gnomAD browser with a very low allelic frequency (2 out of 246,262 alleles). It creates a premature stop codon p.(Arg1018*) and has been previously reported in numerous patients with Gitelman syndrome in the literature (Vargas-Poussou et al 2011 J Am Soc Nephrol 22:693-703; Glaudemans et al 2012 Eur J Hum Genet 20:263-270). This variant is considered to be pathogenic according to the ACMG guidelines.

Literature cited by the submitters: PubMed 29942493 (cited by 3 submitters); PubMed 23475471 (cited by 3 submitters); PubMed 12911530 (cited by 3 submitters); PubMed 33238651 (cited by Natera, Inc.); PubMed 29398133 (cited by Natera, Inc.).